The following is an entry in ClinVar:

ClinVar aggregate classification (germline): Likely pathogenic (1 of 4 stars; one submission).

Conditions:
Menkes kinky-hair syndrome (MNK). Also called: Copper transport disease; Classic Menkes Disease; Menkes Disease. Identifiers: Orphanet 565, MedGen C0022716, MONDO:0010651, OMIM 309400.

Submission:

Myriad Genetics, Inc.
Classification: Likely pathogenic for Menkes kinky-hair syndrome. Last evaluated: 2022-03-15. Review status: criteria provided, single submitter. Criteria: Myriad Autosomal Dominant, Autosomal Recessive and X-Linked Classification Criteria (2023). Collection method: clinical testing. Allele origin: unknown.
Comment: NM_000052.5(ATP7A):c.4040T>A(L1347*) is expected to be pathogenic in the context of ATP7A-related disorders. This variant is predicted to lead to an abnormal or absent protein product due to the creation of a premature termination codon in ATP7A, a gene where loss-of-function variants are known to be pathogenic. Please note: this variant was assessed in the context of healthy population screening.

NM_000052.7(ATP7A):c.4040T>A (p.Leu1347Ter)

Gene: ATP7A (ATPase copper transporting alpha; plus strand). Cytogenetic location: Xq21.1.
Variant type: single nucleotide variant.
Coding change: c.4040T>A on transcript NM_000052.7 (MANE Select); coding-DNA position 4040, T replaced by A.
Protein change: p.Leu1347Ter; replaces leucine 1347 with a stop codon.
Molecular consequence: nonsense. On other transcripts: non-coding transcript variant (1).
Genome position (GRCh38, 1-based): chrX:78,043,351, T>A. VCF-style: chrX-78043351-T-A. GRCh37 (hg19) VCF-style: chrX-77298849-T-A.
Other names: c.3806T>A, p.Leu1269Ter (NM_001282224.2); short protein forms L1269*, L1347*.
Identifiers: ClinVar variation 1725312 (VCV001725312.3), dbSNP rs2522420993, ClinGen allele CA413605535.